The following is an entry in ClinVar:

ClinVar aggregate classification (germline): Likely benign (1 of 4 stars; one submission).

gnomAD v4.1: 10 of 1,613,218 alleles (0.00062%); highest among the groups gnomAD compares: East Asian, 0.0022%; no homozygotes.

Submission:

CeGaT Center for Human Genetics Tuebingen
Classification: Likely benign. Last evaluated: 2026-03-01. Review status: criteria provided, single submitter. Criteria: CeGaT Center For Human Genetics Tuebingen Variant Classification Criteria Version 2. Collection method: clinical testing. Allele origin: germline. Affected: yes. Observed: 1 variant allele.
Comment: KMT2B: BP4, BP7

NM_014727.3(KMT2B):c.2919A>G (p.Leu973=)

Gene: KMT2B (lysine methyltransferase 2B; plus strand). Cytogenetic location: 19q13.12.
Variant type: single nucleotide variant.
Coding change: c.2919A>G on transcript NM_014727.3 (MANE Select); coding-DNA position 2919, A replaced by G.
Protein change: p.Leu973=; no amino-acid change (leucine 973 retained).
Molecular consequence: synonymous variant.
Genome position (GRCh38, 1-based): chr19:35,723,191, A>G. VCF-style: chr19-35723191-A-G. GRCh37 (hg19) VCF-style: chr19-36214093-A-G.
Identifiers: ClinVar variation 4822025 (VCV004822025.4).
Genomic context (GRCh38, chr19:35,723,191, plus strand): 5'-GCCCTCCCATCACGGCAAGAAGATGCGCATGGCTCGATGTGGACACTGTCGGGGCTGCCT[A>G]CGTGTGCAGGACTGTGGGTCCTGTGTCAACTGCCTAGACAAGCCCAAGTTTGGGGGCCCT-3'
Protein context (NP_055542.1, residues 963-983): MARCGHCRGC[Leu973=]RVQDCGSCVN